The following is an entry in ClinVar:

ClinVar aggregate classification (germline): Uncertain significance. Review status: criteria provided, multiple submitters, no conflicts (2 of 4 stars). 2 submissions from 2 submitters: Uncertain significance (2). Last evaluated 2024-05-10.

Allele frequency attached by ClinVar (database versions not stated): gnomAD exomes below 0.00001 and 0.00001; TOPMed below 0.00001.
gnomAD v4.1: 13 of 1,613,358 alleles (0.00081%); highest among the groups gnomAD compares: South Asian, 0.0011%; no homozygotes.

Submissions (2):

Labcorp Genetics (formerly Invitae), Labcorp
Classification: Uncertain significance. Last evaluated: 2024-05-10. Review status: criteria provided, single submitter. Criteria: Invitae Variant Classification Sherloc (09022015). Collection method: clinical testing. Allele origin: germline.
Comment: This sequence change replaces glutamic acid, which is acidic and polar, with lysine, which is basic and polar, at codon 962 of the DNA2 protein (p.Glu962Lys). This variant is present in population databases (no rsID available, gnomAD 0.0009%). This variant has not been reported in the literature in individuals affected with DNA2-related conditions. ClinVar contains an entry for this variant (Variation ID: 1013283). Advanced modeling of protein sequence and biophysical properties (such as structural, functional, and spatial information, amino acid conservation, physicochemical variation, residue mobility, and thermodynamic stability) performed at Invitae indicates that this missense variant is expected to disrupt DNA2 protein function with a positive predictive value of 80%. In summary, the available evidence is currently insufficient to determine the role of this variant in disease. Therefore, it has been classified as a Variant of Uncertain Significance.

CeGaT Center for Human Genetics Tuebingen
Classification: Uncertain significance. Last evaluated: 2020-12-01. Review status: criteria provided, single submitter. Criteria: CeGaT Center For Human Genetics Tuebingen Variant Classification Criteria Version 2. Collection method: clinical testing. Allele origin: germline. Affected: yes. Observed: 1 variant allele.

NM_001080449.3(DNA2):c.2884G>A (p.Glu962Lys)

Gene: DNA2 (DNA replication helicase/nuclease 2; minus strand). Cytogenetic location: 10q21.3.
Variant type: single nucleotide variant.
Coding change: c.2884G>A on transcript NM_001080449.3 (MANE Select); coding-DNA position 2884, G replaced by A.
Protein change: p.Glu962Lys; replaces glutamic acid 962 with lysine.
Molecular consequence: missense variant. On other transcripts: non-coding transcript variant (1).
Genome position (GRCh38, 1-based): chr10:68,419,117, C>T on the plus strand (G>A on the coding strand, the complement: DNA2 is on the minus strand). VCF-style: chr10-68419117-C-T. GRCh37 (hg19) VCF-style: chr10-70178874-C-T.
Other names: short protein forms E962K.
Identifiers: ClinVar variation 1013283 (VCV001013283.41), dbSNP rs1358549381, ClinGen allele CA376841416.